The following is an entry in ClinVar:

NM_001282531.3(ADNP):c.484C>G (p.Gln162Glu)

Gene: ADNP (activity dependent neuroprotector homeobox; minus strand). Cytogenetic location: 20q13.13.
Variant type: single nucleotide variant.
Coding change: c.484C>G on transcript NM_001282531.3 (MANE Select); coding-DNA position 484, C replaced by G.
Protein change: p.Gln162Glu; replaces glutamine 162 with glutamic acid.
Molecular consequence: missense variant.
Genome position (GRCh38, 1-based): chr20:50,894,230, G>C on the plus strand (C>G on the coding strand, the complement: ADNP is on the minus strand). VCF-style: chr20-50894230-G-C. GRCh37 (hg19) VCF-style: chr20-49510767-G-C.
Other names: c.484C>G, p.Gln162Glu (NM_001282532.2, NM_001347511.2, NM_015339.5 and 1 more transcripts); short protein forms Q162E.
Identifiers: ClinVar variation 2635353 (VCV002635353.1), dbSNP rs1981147033, ClinGen allele CA408977701.

ClinVar aggregate classification (germline): Uncertain significance (1 of 4 stars; one submission).

Conditions:
ADNP-related disorder. Also called: ADNP-related condition.

Submission:

PreventionGenetics, part of Exact Sciences
Classification: Uncertain significance for ADNP-related condition. Last evaluated: 2022-11-14. Review status: criteria provided, single submitter. Criteria: ACMG Guidelines, 2015. Collection method: clinical testing. Allele origin: germline.
Comment: The ADNP c.484C>G variant is predicted to result in the amino acid substitution p.Gln162Glu. To our knowledge, this variant has not been reported in the literature or in a large population database, indicating this variant is rare. At this time, the clinical significance of this variant is uncertain due to the absence of conclusive functional and genetic evidence.